The following is an entry in ClinVar:

ClinVar aggregate classification (germline): Likely pathogenic (1 of 4 stars; one submission).

Submission:

Labcorp Genetics (formerly Invitae), Labcorp
Classification: Likely pathogenic. Last evaluated: 2022-08-09. Review status: criteria provided, single submitter. Criteria: Invitae Variant Classification Sherloc (09022015). Collection method: clinical testing. Allele origin: germline.
Comment: In summary, the currently available evidence indicates that the variant is pathogenic, but additional data are needed to prove that conclusively. Therefore, this variant has been classified as Likely Pathogenic. Algorithms developed to predict the effect of sequence changes on RNA splicing suggest that this variant may disrupt the consensus splice site. This variant has not been reported in the literature in individuals affected with RTTN-related conditions. This variant is not present in population databases (gnomAD no frequency). This sequence change affects an acceptor splice site in intron 2 of the RTTN gene. It is expected to disrupt RNA splicing. Variants that disrupt the donor or acceptor splice site typically lead to a loss of protein function (PMID: 16199547), and loss-of-function variants in RTTN are known to be pathogenic (PMID: 26608784, 26846091).

Literature cited by the submitters: PubMed 16199547; PubMed 26608784; PubMed 26846091.

NM_173630.4(RTTN):c.220-1G>A

Gene: RTTN (rotatin; minus strand). Cytogenetic location: 18q22.2.
Variant type: single nucleotide variant.
Coding change: c.220-1G>A on transcript NM_173630.4 (MANE Select); the canonical splice acceptor site of the intron before coding-DNA position 220, G replaced by A.
Molecular consequence: splice acceptor variant.
Genome position (GRCh38, 1-based): chr18:70,204,264, C>T on the plus strand (G>A on the coding strand, the complement: RTTN is on the minus strand). VCF-style: chr18-70204264-C-T. GRCh37 (hg19) VCF-style: chr18-67871500-C-T.
Other names: c.-2334-1G>A (NM_001318520.2).
Identifiers: ClinVar variation 2023033 (VCV002023033.4), dbSNP rs2513091106, ClinGen allele CA402692670.